The following is an entry in ClinVar:

ClinVar aggregate classification (germline): Uncertain significance (1 of 4 stars; one submission).

Conditions:
Inborn genetic diseases. Identifiers: MedGen C0950123, MeSH D030342.

Allele frequency attached by ClinVar (database versions not stated): ExAC 0.00001; gnomAD 0.00001; gnomAD exomes 0.00001; TOPMed 0.00001.

Submission:

Ambry Genetics
Classification: Uncertain significance for Inborn genetic diseases. Last evaluated: 2023-01-31. Review status: criteria provided, single submitter. Criteria: Ambry Variant Classification Scheme 2023. Collection method: clinical testing. Allele origin: germline.
Comment: The p.M162V variant (also known as c.484A>G), located in coding exon 5 of the EPAS1 gene, results from an A to G substitution at nucleotide position 484. The methionine at codon 162 is replaced by valine, an amino acid with highly similar properties. This amino acid position is conserved. In addition, this alteration is predicted to be tolerated by in silico analysis. Since supporting evidence is limited at this time, the clinical significance of this alteration remains unclear.

NM_001430.5(EPAS1):c.484A>G (p.Met162Val)

Genes: EPAS1 (endothelial PAS domain protein 1; plus strand), LOC126806210 (BRD4-independent group 4 enhancer GRCh37_chr2:46587586-46588785; plus strand). Cytogenetic location: 2p21.
Variant type: single nucleotide variant.
Coding change: c.484A>G on transcript NM_001430.5 (MANE Select); coding-DNA position 484, A replaced by G.
Protein change: p.Met162Val; replaces methionine 162 with valine.
Molecular consequence: missense variant.
Genome position (GRCh38, 1-based): chr2:46,360,667, A>G. VCF-style: chr2-46360667-A-G. GRCh37 (hg19) VCF-style: chr2-46587806-A-G.
Other names: short protein forms M162V.
Identifiers: ClinVar variation 2397569 (VCV002397569.2), dbSNP rs76884025, ClinGen allele CA1644666.